The following is an entry in ClinVar:

ClinVar aggregate classification (germline): Uncertain significance (1 of 4 stars; one submission).

Conditions:
Inborn genetic diseases. Identifiers: MedGen C0950123, MeSH D030342.

Submission:

Ambry Genetics
Classification: Uncertain significance for Inborn genetic diseases. Last evaluated: 2024-09-02. Review status: criteria provided, single submitter. Criteria: Ambry Variant Classification Scheme 2023. Collection method: clinical testing. Allele origin: germline.
Comment: The p.R48Q variant (also known as c.143G>A), located in coding exon 1 of the ACD gene, results from a G to A substitution at nucleotide position 143. The arginine at codon 48 is replaced by glutamine, an amino acid with highly similar properties. This amino acid position is conserved. In addition, this alteration is predicted to be tolerated by in silico analysis. Based on the available evidence, the clinical significance of this variant remains unclear.

NM_001082486.1(ACD):c.143G>A (p.Arg48Gln)

Genes: ACD (ACD shelterin complex subunit and telomerase recruitment factor; minus strand), LOC130059224 (ATAC-STARR-seq lymphoblastoid silent region 7617; plus strand). Cytogenetic location: 16q22.1.
Variant type: single nucleotide variant.
Coding change: c.143G>A on transcript NM_001082486.1; coding-DNA position 143, G replaced by A.
Protein change: p.Arg48Gln; replaces arginine 48 with glutamine.
Genome position (GRCh38, 1-based): chr16:67,660,336, C>T on the plus strand (G>A on the coding strand, the complement: ACD is on the minus strand). VCF-style: chr16-67660336-C-T. GRCh37 (hg19) VCF-style: chr16-67694239-C-T.
Other names: short protein forms R48Q.
Identifiers: ClinVar variation 3479918 (VCV003479918.1).